The following is an entry in ClinVar:

NM_002653.5(PITX1):c.716A>C (p.Asn239Thr)

Gene: PITX1 (paired like homeodomain 1; minus strand). Cytogenetic location: 5q31.1.
Variant type: single nucleotide variant.
Coding change: c.716A>C on transcript NM_002653.5 (MANE Select); coding-DNA position 716, A replaced by C.
Protein change: p.Asn239Thr; replaces asparagine 239 with threonine.
Molecular consequence: missense variant.
Genome position (GRCh38, 1-based): chr5:135,029,008, T>G on the plus strand (A>C on the coding strand, the complement: PITX1 is on the minus strand). VCF-style: chr5-135029008-T-G. GRCh37 (hg19) VCF-style: chr5-134364698-T-G.
Other names: short protein forms N239T.
Identifiers: ClinVar variation 3889173 (VCV003889173.2).
Genomic context (GRCh38, chr5:135,029,008, plus strand): 5'-GGCGACATGGCCGAGTTGAGCGAGGAGCCGGTGAGGTTGTTGATGTTGTTGAGGCCCGAG[T>G]TGGGCATGCCAGGCACGGCGCCTGGGCCCATGCTGGACGGCATGGTCATGGAGGAGATGG-3'
Protein context (NP_002644.4, residues 229-249): MGPGAVPGMP[Asn239Thr]SGLNNINNLT

ClinVar aggregate classification (germline): Uncertain significance. Review status: criteria provided, multiple submitters, no conflicts (2 of 4 stars). 2 submissions from 2 submitters: Uncertain significance (2). Last evaluated 2025-02-21.

Conditions:
PITX1-related disorder. Also called: PITX1-related condition.

Submissions (2):

Ambry Genetics
Classification: Uncertain significance. Last evaluated: 2025-02-21. Review status: criteria provided, single submitter. Criteria: Ambry Variant Classification Scheme 2023. Collection method: clinical testing. Allele origin: germline.

PreventionGenetics, part of Exact Sciences
Classification: Uncertain significance for PITX1-related condition. Last evaluated: 2024-10-22. Review status: criteria provided, single submitter. Criteria: ACMG Guidelines, 2015. Collection method: clinical testing. Allele origin: germline.
Comment: The PITX1 c.716A>C variant is predicted to result in the amino acid substitution p.Asn239Thr. To our knowledge, this variant has not been reported in the literature or in a large population database (gnomAD), indicating this variant is rare. At this time, the clinical significance of this variant is uncertain due to the absence of conclusive functional and genetic evidence.